The following is an entry in ClinVar:

ClinVar aggregate classification (germline): Likely benign. Review status: criteria provided, multiple submitters, no conflicts (2 of 4 stars). 3 submissions from 3 submitters: Likely benign (2). 1 of the submissions does not count toward it. Last evaluated 2026-01-15.

Conditions:
LONP1-related disorder. Also called: LONP1-related disorders; LONP1-related condition.

Allele frequency attached by ClinVar (database versions not stated): gnomAD exomes 0.00028 and 0.00064; ExAC 0.00080; 1000 Genomes Project 0.00200; gnomAD 0.00261 and 0.00286; 1000 Genomes Project 30x 0.00265; TOPMed 0.00293; ESP Exome Variant Server 0.00315.
gnomAD v4.1: 815 of 1,604,552 alleles (0.051%); highest among the groups gnomAD compares: African/African-American, 0.94%; 2 homozygotes.

Submissions (3):

Labcorp Genetics (formerly Invitae), Labcorp
Classification: Likely benign. Last evaluated: 2026-01-15. Review status: criteria provided, single submitter. Criteria: Invitae Variant Classification Sherloc (09022015). Collection method: clinical testing. Allele origin: germline.

Breakthrough Genomics
Classification: Likely benign. Review status: criteria provided, single submitter. Criteria: ACMG Guidelines, 2015. Collection method: not provided. Allele origin: germline. Inheritance: Autosomal recessive inheritance. Affected: yes.

PreventionGenetics, part of Exact Sciences
Classification: Likely benign for LONP1-related condition. Last evaluated: 2023-06-16. Review status: no assertion criteria provided. Collection method: clinical testing. Allele origin: germline. Not counted in ClinVar's aggregate classification.
Comment: This variant is classified as likely benign based on ACMG/AMP sequence variant interpretation guidelines (Richards et al. 2015 PMID: 25741868, with internal and published modifications).

NM_004793.4(LONP1):c.1613G>A (p.Arg538His)

Gene: LONP1 (lon peptidase 1, mitochondrial; minus strand). Cytogenetic location: 19p13.3.
Variant type: single nucleotide variant.
Coding change: c.1613G>A on transcript NM_004793.4 (MANE Select); coding-DNA position 1613, G replaced by A.
Protein change: p.Arg538His; replaces arginine 538 with histidine.
Molecular consequence: missense variant. On other transcripts: non-coding transcript variant (1).
Genome position (GRCh38, 1-based): chr19:5,699,099, C>T on the plus strand (G>A on the coding strand, the complement: LONP1 is on the minus strand). VCF-style: chr19-5699099-C-T. GRCh37 (hg19) VCF-style: chr19-5699110-C-T.
Other names: c.1421G>A, p.Arg474His (NM_001276479.2); c.1025G>A, p.Arg342His (NM_001276480.1); short protein forms R538H, R342H, R474H.
Identifiers: ClinVar variation 730426 (VCV000730426.13), dbSNP rs115968490, ClinGen allele CA9114609.
Genomic context (GRCh38, chr19:5,699,099, plus strand): 5'-ATCTCAGCCACGTCAGTCATGCCCCCGACGCTGAAGCGGAAGTACTCTCGGTTCAGGGCG[C>T]GGGCGATGGAGCGAGCAATGCTGGTCTTACCCACGCCAGGGGGGCCATAGAAGCAGAGGA-3'
Protein context (NP_004784.2, residues 528-548): GKTSIARSIA[Arg538His]ALNREYFRFS